The following is an entry in ClinVar:

NM_000133.4(F9):c.22A>G (p.Met8Val)

Gene: F9 (coagulation factor IX; plus strand). Cytogenetic location: Xq27.1.
Variant type: single nucleotide variant.
Coding change: c.22A>G on transcript NM_000133.4 (MANE Select); coding-DNA position 22, A replaced by G.
Protein change: p.Met8Val; replaces methionine 8 with valine.
Molecular consequence: missense variant.
Genome position (GRCh38, 1-based): chrX:139,530,786, A>G. VCF-style: chrX-139530786-A-G. GRCh37 (hg19) VCF-style: chrX-138612945-A-G.
Other names: c.22A>G, p.Met8Val (NM_001313913.2); short protein forms M8V.
Identifiers: ClinVar variation 3354182 (VCV003354182.1).
Genomic context (GRCh38, chrX:139,530,786, plus strand): 5'-AATCGACCTTACCACTTTCACAATCTGCTAGCAAAGGTTATGCAGCGCGTGAACATGATC[A>G]TGGCAGAATCACCAGGCCTCATCACCATCTGCCTTTTAGGATATCTACTCAGTGCTGAAT-3'
Protein context (NP_000124.1, residues 1-18): MQRVNMI[Met8Val]AESPGLITIC

ClinVar aggregate classification (germline): Uncertain significance (0 of 4 stars; one submission).

Conditions:
F9-related disorder. Also called: F9-related condition.

gnomAD v4.1: 4 of 1,211,334 alleles (0.00033%); highest among the groups gnomAD compares: Non-Finnish European, 0.00045%; no homozygotes.

Submission:

PreventionGenetics, part of Exact Sciences
Classification: Uncertain significance for F9-related condition. Last evaluated: 2024-04-30. Review status: no assertion criteria provided. Collection method: clinical testing. Allele origin: germline.
Comment: The F9 c.22A>G variant is predicted to result in the amino acid substitution p.Met8Val. To our knowledge, this variant has not been reported in the literature. This variant is reported in 0.0037% of alleles in individuals of European (Non-Finnish) descent in gnomAD. At this time, the clinical significance of this variant is uncertain due to the absence of conclusive functional and genetic evidence.